The following is an entry in ClinVar:

NM_206933.4(USH2A):c.12817T>C (p.Tyr4273His)

Gene: USH2A (usherin; minus strand). Cytogenetic location: 1q41.
Variant type: single nucleotide variant.
Coding change: c.12817T>C on transcript NM_206933.4 (MANE Select); coding-DNA position 12817, T replaced by C.
Protein change: p.Tyr4273His; replaces tyrosine 4273 with histidine.
Molecular consequence: missense variant.
Genome position (GRCh38, 1-based): chr1:215,675,094, A>G on the plus strand (T>C on the coding strand, the complement: USH2A is on the minus strand). VCF-style: chr1-215675094-A-G. GRCh37 (hg19) VCF-style: chr1-215848436-A-G.
Other names: short protein forms Y4273H.
Identifiers: ClinVar variation 178649 (VCV000178649.24), dbSNP rs79654794, ClinGen allele CA182734.

ClinVar aggregate classification (germline): Benign/Likely benign. Review status: criteria provided, multiple submitters, no conflicts (2 of 4 stars). 9 submissions from 8 submitters: Benign (2); Likely benign (6). 1 of the submissions does not count toward it. Last evaluated 2026-03-01.

Conditions:
Usher syndrome type 2A. Also called: USHER SYNDROME, TYPE IIA; RETINAL DISEASE IN USHER SYNDROME TYPE IIA, MODIFIER OF. Identifiers: Orphanet 231178, Orphanet 886, MedGen C1848634, MONDO:0010169, OMIM 276901.
Retinitis pigmentosa 39 (RP39). Identifiers: Orphanet 791, MedGen C3151138, MONDO:0013436, OMIM 613809.

Allele frequency attached by ClinVar (database versions not stated): gnomAD exomes 0.00037 and 0.00093; ExAC 0.00114; 1000 Genomes Project 0.00359; 1000 Genomes Project 30x 0.00359; gnomAD 0.00373 and 0.00408; TOPMed 0.00422; ESP Exome Variant Server 0.00477.
gnomAD v4.1: 1,138 of 1,614,130 alleles (0.071%); highest among the groups gnomAD compares: African/African-American, 1.4%; 7 homozygotes.

Submissions (9):

CeGaT Center for Human Genetics Tuebingen
Classification: Likely benign. Last evaluated: 2026-03-01. Review status: criteria provided, single submitter. Criteria: CeGaT Center For Human Genetics Tuebingen Variant Classification Criteria Version 2. Collection method: clinical testing. Allele origin: germline. Affected: yes. Observed: 1 variant allele.
Comment: USH2A: BP4, BS1

Labcorp Genetics (formerly Invitae), Labcorp
Classification: Benign. Last evaluated: 2026-01-28. Review status: criteria provided, single submitter. Criteria: Invitae Variant Classification Sherloc (09022015). Collection method: clinical testing. Allele origin: germline.

Blueprint Genetics
Classification: Likely benign. Last evaluated: 2024-07-09. Review status: criteria provided, single submitter. Criteria: ACMG Guidelines, 2015. Collection method: clinical testing. Allele origin: germline.

Genome-Nilou Lab
Classification: Likely benign for Retinitis pigmentosa 39. Last evaluated: 2023-11-04. Review status: criteria provided, single submitter. Criteria: ACMG Guidelines, 2015. Collection method: clinical testing. Allele origin: germline. Affected: no.

Genome-Nilou Lab
Classification: Likely benign for Usher syndrome type 2A. Last evaluated: 2023-11-04. Review status: criteria provided, single submitter. Criteria: ACMG Guidelines, 2015. Collection method: clinical testing. Allele origin: germline. Affected: no.

GeneDx
Classification: Likely benign. Last evaluated: 2020-08-02. Review status: criteria provided, single submitter. Criteria: GeneDx Variant Classification Process June 2021. Collection method: clinical testing. Allele origin: germline. Affected: yes.

Athena Diagnostics
Classification: Likely benign. Last evaluated: 2018-05-24. Review status: criteria provided, single submitter. Criteria: Athena Diagnostics Criteria. Collection method: clinical testing. Allele origin: germline.

Laboratory for Molecular Medicine, Mass General Brigham Personalized Medicine
Classification: Benign. Last evaluated: 2012-05-07. Review status: criteria provided, single submitter. Criteria: LMM Criteria. Collection method: clinical testing. Allele origin: germline. Observed: 3 variant alleles.
Comment: Tyr4273His in Exon 63 of USH2A: This variant is not expected to have clinical si gnificance because it has been identified in 1.3% (50/3738) of African American chromosomes from a broad population by the NHLBI Exome Sequencing Project (dbSNP rs79654794).

Natera, Inc.
Classification: Likely benign for Usher syndrome type 2A. Last evaluated: 2019-12-08. Review status: no assertion criteria provided. Collection method: clinical testing. Allele origin: germline. Not counted in ClinVar's aggregate classification.